The following is an entry in ClinVar:

NM_198586.3(NHLRC1):c.742G>T (p.Glu248Ter)

Gene: NHLRC1 (NHL repeat containing E3 ubiquitin protein ligase 1; minus strand). Cytogenetic location: 6p22.3.
Variant type: single nucleotide variant.
Coding change: c.742G>T on transcript NM_198586.3 (MANE Select); coding-DNA position 742, G replaced by T.
Protein change: p.Glu248Ter; replaces glutamic acid 248 with a stop codon.
Molecular consequence: nonsense.
Genome position (GRCh38, 1-based): chr6:18,121,865, C>A on the plus strand (G>T on the coding strand, the complement: NHLRC1 is on the minus strand). VCF-style: chr6-18121865-C-A. GRCh37 (hg19) VCF-style: chr6-18122096-C-A.
Other names: short protein forms E248*.
Identifiers: ClinVar variation 936263 (VCV000936263.10), dbSNP rs750055958, ClinGen allele CA362826281.
Genomic context (GRCh38, chr6:18,121,865, plus strand): 5'-CCACCCCTCGGGGATTGCACAGATGAGCTTGCAACCTTTCAGTTCTCCGAAGGACCCCTT[C>A]CGCGAAGTCGACGTCCAGGAGGTGCAGGGACCCTGCCTCCGCATCAGTTACCACAATCCC-3'

ClinVar aggregate classification (germline): Pathogenic (1 of 4 stars; one submission).

Conditions:
Lafora disease. Also called: Epilepsy progressive myoclonic 2; Progressive Myoclonus Epilepsy, Lafora Type. Identifiers: Orphanet 501, MedGen C0751783, MONDO:0009697.

Submission:

Labcorp Genetics (formerly Invitae), Labcorp
Classification: Pathogenic for Lafora disease. Last evaluated: 2019-05-12. Review status: criteria provided, single submitter. Criteria: Invitae Variant Classification Sherloc (09022015). Collection method: clinical testing. Allele origin: germline.
Comment: For these reasons, this variant has been classified as Pathogenic. This variant disrupts the C-terminus of the NHLRC1 protein. Another variant that disrupts this region (p.Ser300Valfs*13) has been determined to be pathogenic (PMID: 16021330). This suggests that variants that disrupt this region of the protein are likely to be causative of disease. This variant has not been reported in the literature in individuals with NHLRC1-related conditions. This variant is not present in population databases (ExAC no frequency). This sequence change results in a premature translational stop signal in the NHLRC1 gene (p.Glu248*). While this is not anticipated to result in nonsense mediated decay, it is expected to disrupt the last 144 amino acids of the NHLRC1 protein.

Literature cited by the submitters: PubMed 16021330.